The following is an entry in ClinVar:

ClinVar aggregate classification (germline): Uncertain significance (1 of 4 stars; one submission).

Conditions:
Wagner disease. Also called: WAGNER SYNDROME 1; HYALOIDEORETINAL DEGENERATION OF WAGNER; WAGNER VITREORETINAL DEGENERATION; Wagner syndrome; WAGNER VITREORETINOPATHY; Wagner Vitreoretinal Degeneration (Wagner Synrdome). Identifiers: Orphanet 898, MedGen C1840452, MONDO:0007740, OMIM 143200.

gnomAD v4.1: 24 of 1,613,824 alleles (0.0015%); highest among the groups gnomAD compares: South Asian, 0.025%; no homozygotes.

Submission:

Neuberg Centre For Genomic Medicine, NCGM
Classification: Uncertain significance for Wagner disease. Last evaluated: 2023-06-22. Review status: criteria provided, single submitter. Criteria: ACMG Guidelines, 2015. Collection method: clinical testing. Allele origin: germline. Inheritance: Autosomal dominant inheritance. Affected: yes.
Comment: The missense c.6670G>T(p.Asp2224Tyr) variant in VCAN gene has not been reported previously as a pathogenic variant nor as a benign variant, to our knowledge. This variant is present with an allele frequency of 0.002% in gnomAD Exomes. This variant has not been submitted to the ClinVar database. Computational evidence (Polyphen - Probably Damaging, SIFT - Damaging and MutationTaster -polymorphism) predicts conflicting evidence on protein structure and function for this variant. The reference amino acid at this position in VCAN is predicted as conserved by GERP++ and PhyloP across 100 vertebrates. The amino acid Asp at position 2224 is changed to a Tyr changing protein sequence and it might alter its composition and physico-chemical properties. For these reasons, this variant has been classified as Variant of Uncertain Significance (VUS).

NM_004385.5(VCAN):c.6670G>T (p.Asp2224Tyr)

Genes: VCAN (versican; plus strand), VCAN-AS1 (VCAN antisense RNA 1; minus strand). Cytogenetic location: 5q14.3.
Variant type: single nucleotide variant.
Coding change: c.6670G>T on transcript NM_004385.5 (MANE Select); coding-DNA position 6670, G replaced by T.
Protein change: p.Asp2224Tyr; replaces aspartic acid 2224 with tyrosine.
Molecular consequence: missense variant. On other transcripts: intron variant (2).
Genome position (GRCh38, 1-based): chr5:83,539,673, G>T. VCF-style: chr5-83539673-G-T. GRCh37 (hg19) VCF-style: chr5-82835492-G-T.
Other names: c.3709G>T, p.Asp1237Tyr (NM_001164097.2); c.4004-5864G>T (NM_001164098.2); c.1043-5864G>T (NM_001126336.3); short protein forms D1237Y, D2224Y.
Identifiers: ClinVar variation 3731397 (VCV003731397.1).